The following is an entry in ClinVar:

NM_001903.5(CTNNA1):c.1471T>G (p.Trp491Gly)

Gene: CTNNA1 (catenin alpha 1; plus strand). Cytogenetic location: 5q31.2.
Variant type: single nucleotide variant.
Coding change: c.1471T>G on transcript NM_001903.5 (MANE Select); coding-DNA position 1471, T replaced by G.
Protein change: p.Trp491Gly; replaces tryptophan 491 with glycine.
Molecular consequence: missense variant.
Genome position (GRCh38, 1-based): chr5:138,917,823, T>G. VCF-style: chr5-138917823-T-G. GRCh37 (hg19) VCF-style: chr5-138253512-T-G.
Other names: c.1471T>G, p.Trp491Gly (NM_001290307.3, NM_001323982.2, NM_001323983.1 and 2 more transcripts); c.1162T>G, p.Trp388Gly (NM_001290309.3); c.1102T>G, p.Trp368Gly (NM_001290310.3); c.361T>G, p.Trp121Gly (NM_001290312.1, NM_001323987.1, NM_001323988.1 and 17 more transcripts); c.1378T>G, p.Trp460Gly (NM_001323986.2); c.22T>G, p.Trp8Gly (NM_001324006.1, NM_001324007.1, NM_001324008.1 and 2 more transcripts); c.268T>G, p.Trp90Gly (NM_001324011.1); c.118T>G, p.Trp40Gly (NM_001324012.1, NM_001324013.1); short protein forms W368G, W491G, W40G, W8G, W90G, W121G, W388G, W460G.
Identifiers: ClinVar variation 1773374 (VCV001773374.2), dbSNP rs2533589632, ClinGen allele CA361137264.
Genomic context (GRCh38, chr5:138,917,823, plus strand): 5'-TTAGCAGCAAAACCACAGAGTAAACTGGCCCAAGAGAACATGGATCTTTTTAAAGAACAA[T>G]GGGAAAAACAAGTCCGTGTTCTCACAGATGCTGTCGATGACATTACTTCCATTGATGACT-3'
Protein context (NP_001894.2, residues 481-501): QENMDLFKEQ[Trp491Gly]EKQVRVLTDA

ClinVar aggregate classification (germline): Uncertain significance (1 of 4 stars; one submission).

Conditions:
Hereditary cancer-predisposing syndrome. Also called: Hereditary Cancer Syndrome; Hereditary neoplastic syndrome; Neoplastic Syndromes, Hereditary; Tumor predisposition. Identifiers: Orphanet 140162, MedGen C0027672, MeSH D009386, MONDO:0015356.

Submission:

Ambry Genetics
Classification: Uncertain significance for Hereditary cancer-predisposing syndrome. Last evaluated: 2022-08-13. Review status: criteria provided, single submitter. Criteria: Ambry Variant Classification Scheme 2023. Collection method: clinical testing. Allele origin: germline.
Comment: The p.W491G variant (also known as c.1471T>G), located in coding exon 10 of the CTNNA1 gene, results from a T to G substitution at nucleotide position 1471. The tryptophan at codon 491 is replaced by glycine, an amino acid with highly dissimilar properties. This amino acid position is conserved. In addition, this alteration is predicted to be deleterious by in silico analysis. Since supporting evidence is limited at this time, the clinical significance of this alteration remains unclear.